The following is an entry in ClinVar:

NM_001388492.1(HTT):c.5563C>T (p.Gln1855Ter)

Gene: HTT (huntingtin; plus strand). Cytogenetic location: 4p16.3.
Variant type: single nucleotide variant.
Coding change: c.5563C>T on transcript NM_001388492.1 (MANE Select); coding-DNA position 5563, C replaced by T.
Protein change: p.Gln1855Ter; replaces glutamine 1855 with a stop codon.
Molecular consequence: nonsense.
Genome position (GRCh38, 1-based): chr4:3,199,926, C>T. VCF-style: chr4-3199926-C-T. GRCh37 (hg19) VCF-style: chr4-3201653-C-T.
Other names: c.5569C>T, p.Gln1857Ter (NM_002111.8); short protein forms Q1855*, Q1857*.
Identifiers: ClinVar variation 4886667 (VCV004886667.2).

ClinVar aggregate classification (germline): Uncertain significance (1 of 4 stars; one submission).

gnomAD v4.1: 2 of 1,613,364 alleles (0.00012%); highest among the groups gnomAD compares: Non-Finnish European, 0.00017%; no homozygotes.

Submission:

Dasa
Classification: Uncertain significance. Last evaluated: 2025-06-27. Review status: criteria provided, single submitter. Criteria: DASA Assertion Criteria. Collection method: clinical testing. Allele origin: germline.
Comment: NM_001388492.1(HTT):c.5563C>T (p.Gln1855*) is a nonsense variant in HTT predicted to introduce a premature termination codon. This variant is rare in population databases. The currently available literature and clinical evidence are not sufficient to establish a definitive association between this variant and the reported condition. Therefore, this variant is classified as a variant of uncertain significance.